The following is an entry in ClinVar:

ClinVar aggregate classification (germline): Uncertain significance (1 of 4 stars; one submission).

Allele frequency attached by ClinVar (database versions not stated): ExAC 0.00001; gnomAD exomes 0.00001; TOPMed 0.00002; gnomAD 0.00003; 1000 Genomes Project 30x 0.00016; 1000 Genomes Project 0.00020.

Submission:

CeGaT Center for Human Genetics Tuebingen
Classification: Uncertain significance. Last evaluated: 2023-07-01. Review status: criteria provided, single submitter. Criteria: CeGaT Center For Human Genetics Tuebingen Variant Classification Criteria Version 2. Collection method: clinical testing. Allele origin: germline. Affected: yes. Observed: 1 variant allele.
Comment: CLCN2: PM2, PP3

NM_004366.6(CLCN2):c.931C>T (p.Arg311Trp)

Gene: CLCN2 (chloride voltage-gated channel 2; minus strand). Cytogenetic location: 3q27.1.
Variant type: single nucleotide variant.
Coding change: c.931C>T on transcript NM_004366.6 (MANE Select); coding-DNA position 931, C replaced by T.
Protein change: p.Arg311Trp; replaces arginine 311 with tryptophan.
Molecular consequence: missense variant.
Genome position (GRCh38, 1-based): chr3:184,357,234, G>A on the plus strand (C>T on the coding strand, the complement: CLCN2 is on the minus strand). VCF-style: chr3-184357234-G-A. GRCh37 (hg19) VCF-style: chr3-184075022-G-A.
Other names: c.931C>T, p.Arg311Trp (NM_001171087.3, NM_001171089.3); c.799C>T, p.Arg267Trp (NM_001171088.3); short protein forms R267W, R311W.
Identifiers: ClinVar variation 2578957 (VCV002578957.25), dbSNP rs537301298, ClinGen allele CA2734297.
Genomic context (GRCh38, chr3:184,357,234, plus strand): 5'-CTCCTCACCCAATGACAGCAAAGGCTGGCAGCTCCTGCAGGTCAAAGGGGAAGTCGAGCC[G>A]GAATCGGGTTTTGAAGAGGGCTGTAATAGTCTCTAAAGGGAAGAACAGCAGAGGGAGGCA-3'
Protein context (NP_004357.3, residues 301-321): TITALFKTRF[Arg311Trp]LDFPFDLQEL